The following is an entry in ClinVar:

NM_000264.5(PTCH1):c.3951A>C (p.Arg1317Ser)

Gene: PTCH1 (patched 1; minus strand). Cytogenetic location: 9q22.32.
Variant type: single nucleotide variant.
Coding change: c.3951A>C on transcript NM_000264.5 (MANE Select); coding-DNA position 3951, A replaced by C.
Protein change: p.Arg1317Ser; replaces arginine 1317 with serine.
Molecular consequence: missense variant. On other transcripts: non-coding transcript variant (1).
Genome position (GRCh38, 1-based): chr9:95,447,305, T>G on the plus strand (A>C on the coding strand, the complement: PTCH1 is on the minus strand). VCF-style: chr9-95447305-T-G. GRCh37 (hg19) VCF-style: chr9-98209587-T-G.
Other names: c.3753A>C, p.Arg1251Ser (NM_001083602.3); c.3948A>C, p.Arg1316Ser (NM_001083603.3); c.3498A>C, p.Arg1166Ser (NM_001083604.3, NM_001083605.3, NM_001083606.3 and 1 more transcripts); c.3795A>C, p.Arg1265Ser (NM_001354918.2); short protein forms R1166S, R1317S, R1265S, R1251S, R1316S.
Identifiers: ClinVar variation 843757 (VCV000843757.11), dbSNP rs1211632031, ClinGen allele CA374110605.

ClinVar aggregate classification (germline): Uncertain significance. Review status: criteria provided, multiple submitters, no conflicts (2 of 4 stars). 2 submissions from 2 submitters: Uncertain significance (2). Last evaluated 2024-11-02.

Conditions:
Hereditary cancer-predisposing syndrome. Also called: Neoplastic Syndromes, Hereditary; Hereditary neoplastic syndrome; Tumor predisposition; Hereditary Cancer Syndrome. Identifiers: Orphanet 140162, MedGen C0027672, MeSH D009386, MONDO:0015356.
Gorlin syndrome. Also called: Nevoid Basal Cell Carcinoma Syndrome; Basal cell nevus syndrome. Identifiers: Orphanet 377, MedGen C0004779, MONDO:0007187.

gnomAD v4.1: 4 of 1,612,832 alleles (0.00025%); highest among the groups gnomAD compares: Non-Finnish European, 0.00034%; no homozygotes.

Submissions (2):

Ambry Genetics
Classification: Uncertain significance for Hereditary cancer-predisposing syndrome. Last evaluated: 2024-11-02. Review status: criteria provided, single submitter. Criteria: Ambry Variant Classification Scheme 2023. Collection method: clinical testing. Allele origin: germline.
Comment: The p.R1317S variant (also known as c.3951A>C), located in coding exon 23 of the PTCH1 gene, results from an A to C substitution at nucleotide position 3951. The arginine at codon 1317 is replaced by serine, an amino acid with dissimilar properties. This amino acid position is well conserved in available vertebrate species. In addition, the in silico prediction for this alteration is inconclusive. Since supporting evidence is limited at this time, the clinical significance of this alteration remains unclear.

Labcorp Genetics (formerly Invitae), Labcorp
Classification: Uncertain significance for Gorlin syndrome. Last evaluated: 2023-12-11. Review status: criteria provided, single submitter. Criteria: Invitae Variant Classification Sherloc (09022015). Collection method: clinical testing. Allele origin: germline.
Comment: This sequence change replaces arginine, which is basic and polar, with serine, which is neutral and polar, at codon 1317 of the PTCH1 protein (p.Arg1317Ser). This variant is not present in population databases (gnomAD no frequency). This variant has not been reported in the literature in individuals affected with PTCH1-related conditions. ClinVar contains an entry for this variant (Variation ID: 843757). Advanced modeling of protein sequence and biophysical properties (such as structural, functional, and spatial information, amino acid conservation, physicochemical variation, residue mobility, and thermodynamic stability) performed at Invitae indicates that this missense variant is not expected to disrupt PTCH1 protein function with a negative predictive value of 95%. In summary, the available evidence is currently insufficient to determine the role of this variant in disease. Therefore, it has been classified as a Variant of Uncertain Significance.